The following is an entry in ClinVar:

NM_000458.4(HNF1B):c.1235dup (p.Val413fs)

Gene: HNF1B (HNF1 homeobox B; minus strand). Cytogenetic location: 17q12.
Variant type: Duplication.
Coding change: c.1235dup on transcript NM_000458.4 (MANE Select); coding-DNA position 1235, one base duplicated (C; older notation c.1235dupC).
Protein change: p.Val413fs; shifts the reading frame from valine 413.
Molecular consequence: frameshift variant.
Genome position (GRCh38, 1-based): chr17:37,705,021, G duplicated on the plus strand (C on the coding strand, the reverse complement: HNF1B is on the minus strand); the first of 5 consecutive G bases (chr17:37,705,021-37,705,025); duplicating any one gives the same sequence. VCF-style (leftmost placement, unchanged base first): chr17-37705020-T-TG. GRCh37 (hg19) VCF-style: chr17-36065027-T-TG.
Other names: c.1157dup, p.Val387fs (NM_001165923.4, NM_001304286.2); short protein forms V413fs, V387fs.
Identifiers: ClinVar variation 635596 (VCV000635596.2), dbSNP rs1598809747, ClinGen allele CA913190648.

ClinVar aggregate classification (germline): Pathogenic/Likely pathogenic. Review status: criteria provided, multiple submitters, no conflicts (2 of 4 stars). 2 submissions from 2 submitters: Pathogenic (1); Likely pathogenic (1). Last evaluated 2019-07-06.

Conditions:
Renal cysts and diabetes syndrome (RCAD). Also called: Familial hypoplastic, glomerulocystic kidney; MATURITY-ONSET DIABETES OF THE YOUNG, TYPE 5. Identifiers: Orphanet 93111, MedGen C0431693, MONDO:0007669, OMIM 137920.
Maturity-onset diabetes of the young (MODY). Also called: Maturity onset diabetes mellitus in young. Identifiers: Orphanet 552, MedGen C0342276, MONDO:0018911, HP:0004904.

Submissions (2):

Institute of Human Genetics, FAU Erlangen, Friedrich-Alexander-Universität Erlangen-Nürnberg
Classification: Pathogenic for Renal cysts and diabetes syndrome. Last evaluated: 2019-07-06. Review status: criteria provided, single submitter. Criteria: ACMG Guidelines, 2015. Collection method: literature only. Allele origin: germline. Affected: yes.
Comment: This variant and it's classification has been reported by Vasileiou et al. 2019; DOI:10.1101/576918. The variants has previously been reported in PMID:27234567 as "c.1235dupC p.V413fs" with clinical significance Pathogenic. It has been re-classified using InterVar and manual curation as Pathogenic based on PVS1 PM2 PP3.

Clinical Genomics, Uppaluri K&H Personalized Medicine Clinic
Classification: Likely pathogenic for Maturity-onset diabetes of the young. Review status: criteria provided, single submitter. Criteria: K & H Uppaluri Personalized Medicine Clinic Variant Classification & Assertion Criteria_Updated V.1. Collection method: research. Allele origin: unknown. Inheritance: Autosomal dominant inheritance.
Comment: HNF1B gene mutations are associated with early onset diabetes and pancreatic atrophy. It is also associated with multiple renal manifestations including renal cysts, Tubulointerstitial disease, glomerulocystic disease, renal hypoplasia, hypomagnesemia. However no sufficient evidence is found to ascertain the role of this particular variant rs1598809747, yet.

Literature cited by the submitters: PubMed 27234567 (cited by Institute of Human Genetics, FAU Erlangen, Friedrich-Alexander-Universität Erlangen-Nürnberg); DOI 10.1101/576918 (cited by Institute of Human Genetics, FAU Erlangen, Friedrich-Alexander-Universität Erlangen-Nürnberg); PubMed 24897035 (cited by Clinical Genomics, Uppaluri K&H Personalized Medicine Clinic); PubMed 25536396 (cited by Clinical Genomics, Uppaluri K&H Personalized Medicine Clinic); PubMed 27615128 (cited by Clinical Genomics, Uppaluri K&H Personalized Medicine Clinic); PubMed 28215227 (cited by Clinical Genomics, Uppaluri K&H Personalized Medicine Clinic); PubMed 33434175 (cited by Clinical Genomics, Uppaluri K&H Personalized Medicine Clinic); PubMed 25741167 (cited by Clinical Genomics, Uppaluri K&H Personalized Medicine Clinic); PubMed 26340261 (cited by Clinical Genomics, Uppaluri K&H Personalized Medicine Clinic); PubMed 19639018 (cited by Clinical Genomics, Uppaluri K&H Personalized Medicine Clinic).